The following is an entry in ClinVar:

ClinVar aggregate classification (germline): Uncertain significance (1 of 4 stars; one submission).

Allele frequency attached by ClinVar (database versions not stated): gnomAD 0.00001; gnomAD exomes 0.00001; TOPMed 0.00001.
gnomAD v4.1: 9 of 1,604,796 alleles (0.00056%); highest among the groups gnomAD compares: Non-Finnish European, 0.00076%; no homozygotes.

Submission:

GeneDx
Classification: Uncertain significance. Last evaluated: 2013-01-04. Review status: criteria provided, single submitter. Criteria: GeneDx Variant Classification (06012015). Collection method: clinical testing. Allele origin: germline. Affected: yes.
Comment: Missense variants in the TTN gene are considered 'unclassified' if they are not previously reported in the literature and do not have >1% frequency in the population to be considered a polymorphism. Research indicates that truncating mutations in the TTN gene are expected to account for approximately 25% of familial and 18% of sporadic idiopathic DCM; however, truncating variants in the TTN gene have been reported in approximately 3% of reported control alleles. There has been little investigation into non-truncating variants. (Herman D et al. Truncations of titin causing dilated cardiomyopathy. N Eng J Med 366:619-628, 2012) The variant is found in DCM panel(s).

NM_001267550.2(TTN):c.33152C>G (p.Pro11051Arg)

Gene: TTN (titin; minus strand). Cytogenetic location: 2q31.2.
Variant type: single nucleotide variant.
Coding change: c.33152C>G on transcript NM_001267550.2 (MANE Select); coding-DNA position 33152, C replaced by G.
Protein change: p.Pro11051Arg; replaces proline 11051 with arginine.
Molecular consequence: missense variant. On other transcripts: intron variant (3).
Genome position (GRCh38, 1-based): chr2:178,681,681, G>C on the plus strand (C>G on the coding strand, the complement: TTN is on the minus strand). VCF-style: chr2-178681681-G-C. GRCh37 (hg19) VCF-style: chr2-179546408-G-C.
Other names: p.P10734R:CCA>CGA; c.32201C>G, p.Pro10734Arg (NM_001256850.1); c.29420C>G, p.Pro9807Arg (NM_133378.4); c.13283-39364C>G (NM_003319.4); c.13859-39364C>G (NM_133437.4); c.13658-39364C>G (NM_133432.3); short protein forms P10734R, P11051R, P9807R.
Identifiers: ClinVar variation 202577 (VCV000202577.2), dbSNP rs794729411, ClinGen allele CA309641.